The following is an entry in ClinVar:

NM_177438.3(DICER1):c.1509G>A (p.Glu503=)

Gene: DICER1 (dicer 1, ribonuclease III; minus strand). Cytogenetic location: 14q32.13.
Variant type: single nucleotide variant.
Coding change: c.1509G>A on transcript NM_177438.3 (MANE Select); coding-DNA position 1509, G replaced by A.
Protein change: p.Glu503=; no amino-acid change (glutamic acid 503 retained).
Molecular consequence: synonymous variant.
Genome position (GRCh38, 1-based): chr14:95,117,622, C>T on the plus strand (G>A on the coding strand, the complement: DICER1 is on the minus strand). VCF-style: chr14-95117622-C-T. GRCh37 (hg19) VCF-style: chr14-95583959-C-T.
Other names: c.1509G>A, p.Glu503= (NM_001195573.1, NM_001271282.3, NM_001291628.2 and 1 more transcripts).
Identifiers: ClinVar variation 690462 (VCV000690462.3), dbSNP rs1595414866, ClinGen allele CA487631620.
Genomic context (GRCh38, chr14:95,117,622, plus strand): 5'-GCACTTTGTCTGTATATGTCCCGAAAACTGTTATTGTACACTTATTTTGATTTAAGTTAC[C>T]TCTTCCTGTTTTCTGAATTCTGCTTCCATCTGTTTGTTGCGAGGCTGATTCTTCCCAATG-3'
Protein context (NP_803187.1, residues 493-513): QMEAEFRKQE[Glu503=]VLRKFRAHET

ClinVar aggregate classification (germline): Uncertain significance. Review status: criteria provided, multiple submitters, no conflicts (2 of 4 stars). 2 submissions from 2 submitters: Uncertain significance (2). Last evaluated 2025-05-08.

Conditions:
DICER1-related tumor predisposition. Also called: DICER1-related pleuropulmonary blastoma cancer predisposition syndrome; DICER1 syndrome. Identifiers: Orphanet 284343, MedGen C3839822, MONDO:0100216.

Submissions (2):

Labcorp Genetics (formerly Invitae), Labcorp
Classification: Uncertain significance for DICER1-related tumor predisposition. Last evaluated: 2025-05-08. Review status: criteria provided, single submitter. Criteria: Invitae Variant Classification Sherloc (09022015). Collection method: clinical testing. Allele origin: germline.
Comment: This sequence change affects codon 503 of the DICER1 mRNA. It is a 'silent' change, meaning that it does not change the encoded amino acid sequence of the DICER1 protein. This variant also falls at the last nucleotide of exon 9, which is part of the consensus splice site for this exon. This variant is not present in population databases (gnomAD no frequency). This variant has not been reported in the literature in individuals affected with DICER1-related conditions. ClinVar contains an entry for this variant (Variation ID: 690462). Variants that disrupt the consensus splice site are a relatively common cause of aberrant splicing (PMID: 17576681, 9536098). Algorithms developed to predict the effect of sequence changes on RNA splicing suggest that this variant may disrupt the consensus splice site. In summary, the available evidence is currently insufficient to determine the role of this variant in disease. Therefore, it has been classified as a Variant of Uncertain Significance.

PreventionGenetics, part of Exact Sciences
Classification: Uncertain significance. Last evaluated: 2017-09-13. Review status: criteria provided, single submitter. Criteria: ACMG Guidelines, 2015. Collection method: clinical testing. Allele origin: germline.

Literature cited by the submitters: PubMed 17576681 (cited by Labcorp Genetics (formerly Invitae), Labcorp); PubMed 9536098 (cited by Labcorp Genetics (formerly Invitae), Labcorp).